The following is an entry in ClinVar:

ClinVar aggregate classification (germline): Likely benign (0 of 4 stars; one submission).

Conditions:
ACADVL-related disorder. Also called: ACADVL-related condition.

gnomAD v4.1: 33 of 1,284,164 alleles (0.0026%); highest among the groups gnomAD compares: South Asian, 0.0063%; no homozygotes.

Submission:

PreventionGenetics, part of Exact Sciences
Classification: Likely benign for ACADVL-related condition. Last evaluated: 2024-07-10. Review status: no assertion criteria provided. Collection method: clinical testing. Allele origin: germline.
Comment: This variant is classified as likely benign based on ACMG/AMP sequence variant interpretation guidelines (Richards et al. 2015 PMID: 25741868, with internal and published modifications).

NM_001270447.2(ACADVL):c.24G>A (p.Ala8=)

Genes: ACADVL (acyl-CoA dehydrogenase very long chain; plus strand), DLG4 (discs large MAGUK scaffold protein 4; minus strand). Cytogenetic location: 17p13.1.
Variant type: single nucleotide variant.
Coding change: c.24G>A on transcript NM_001270447.2; coding-DNA position 24, G replaced by A.
Protein change: p.Ala8=; no amino-acid change (alanine 8 retained).
Molecular consequence: synonymous variant. On other transcripts: 5 prime UTR variant (2), intron variant (2).
Genome position (GRCh38, 1-based): chr17:7,217,169, G>A. VCF-style: chr17-7217169-G-A. GRCh37 (hg19) VCF-style: chr17-7120488-G-A.
Other names: c.-22C>T (NM_001128827.4, NM_001321075.3); c.159+1072C>T (NM_001365.5, NM_001321074.1).
Identifiers: ClinVar variation 3357092 (VCV003357092.1).
Genomic context (GRCh38, chr17:7,217,169, plus strand): 5'-CATGCTTACCTTGGTTGTCACTATACAGAGACAGTCCATGTTGGGGGGCCTGGCCGCGGC[G>A]GCGGGTAAGGGGCTCTGACTTCATCGGAGTTTCGTTCCTCCCCTCCGTGGGTTCTCACCC-3'